The following is an entry in ClinVar:

NM_007294.4(BRCA1):c.4608del (p.Glu1536fs)

Gene: BRCA1 (BRCA1 DNA repair associated; minus strand). Cytogenetic location: 17q21.31.
Variant type: Deletion.
Coding change: c.4608del on transcript NM_007294.4 (MANE Select); coding-DNA position 4608, one base deleted (G; older notation c.4608delG).
Protein change: p.Glu1536fs; shifts the reading frame from glutamic acid 1536.
Molecular consequence: frameshift variant. On other transcripts: non-coding transcript variant (1).
Genome position (GRCh38, 1-based): chr17:43,074,398, C deleted on the plus strand (G on the coding strand, the reverse complement: BRCA1 is on the minus strand). VCF-style (leftmost placement, unchanged base first): chr17-43074397-GC-G. GRCh37 (hg19) VCF-style: chr17-41226414-GC-G.
Other names: c.4395delG, p.Glu1465Aspfs (NM_001407571.1, NM_001407894.1, NM_001407895.1 and 12 more transcripts); c.4674delG, p.Glu1558Aspfs (NM_001407581.1, NM_001407582.1); c.4671delG, p.Glu1557Aspfs (NM_001407583.1, NM_001407585.1, NM_001407587.1); c.4668delG, p.Glu1556Aspfs (NM_001407590.1, NM_001407591.1); c.4608delG, p.Glu1536Aspfs (NM_001407593.1, NM_001407594.1, NM_001407596.1 and 8 more transcripts); c.4605delG, p.Glu1535Aspfs (NM_001407610.1, NM_001407611.1, NM_001407612.1 and 17 more transcripts); c.4602delG, p.Glu1534Aspfs (NM_001407627.1, NM_001407628.1, NM_001407629.1 and 14 more transcripts); c.4599delG, p.Glu1533Aspfs (NM_001407644.1, NM_001407645.1); and 71 more; short protein forms E1489fs, E1557fs, E432fs, E1536fs.
Identifiers: ClinVar variation 1741855 (VCV001741855.2), dbSNP rs2551464938, ClinGen allele CA2580094236.
Genomic context (GRCh38, chr17:43,074,397, plus strand): 5'-CTTGCCTTGGCAAGTAAGATGTTTCCGTCAAATCGTGTGGCCCAGACTCTTCCAGCTGTT[GC>G]TCCTCCACATCAACAACCTTAATGAGCTCCTCTTGAGATGGGTAGTTTCTATTCTGAAGA-3'

ClinVar aggregate classification (germline): Pathogenic (1 of 4 stars; one submission).

Conditions:
Hereditary cancer-predisposing syndrome. Also called: Hereditary Cancer Syndrome; Hereditary neoplastic syndrome; Neoplastic Syndromes, Hereditary; Tumor predisposition. Identifiers: Orphanet 140162, MedGen C0027672, MeSH D009386, MONDO:0015356.

Submission:

Ambry Genetics
Classification: Pathogenic for Hereditary cancer-predisposing syndrome. Last evaluated: 2021-05-20. Review status: criteria provided, single submitter. Criteria: Ambry Variant Classification Scheme 2023. Collection method: clinical testing. Allele origin: germline.
Comment: The c.4608delG pathogenic mutation, located in coding exon 13 of the BRCA1 gene, results from a deletion of one nucleotide at nucleotide position 4608, causing a translational frameshift with a predicted alternate stop codon (p.E1536Dfs*12). This alteration is expected to result in loss of function by premature protein truncation or nonsense-mediated mRNA decay. As such, this alteration is interpreted as a disease-causing mutation.